The following is an entry in ClinVar:

ClinVar aggregate classification (germline): Uncertain significance (1 of 4 stars; one submission).

Conditions:
Aneurysm-osteoarthritis syndrome. Also called: LOEYS-DIETZ SYNDROME WITH OSTEOARTHRITIS; SMAD3-Related Loeys-Dietz Syndrome; ANEURYSMS-OSTEOARTHRITIS SYNDROME; Loeys-Dietz syndrome, type 1C. Identifiers: Orphanet 284984, MedGen C3151087, MONDO:0013426, OMIM 613795.

Submission:

Department of Clinical Genetics, Copenhagen University Hospital, Rigshospitalet
Classification: Uncertain significance for Aneurysm-osteoarthritis syndrome. Last evaluated: 2024-09-24. Review status: criteria provided, single submitter. Criteria: ACMG Guidelines, 2015. Collection method: clinical testing. Allele origin: germline.
Comment: PM2_Sup, PP2_Sup

NM_005902.4(SMAD3):c.529C>G (p.Pro177Ala)

Gene: SMAD3 (SMAD family member 3; plus strand). Cytogenetic location: 15q22.33.
Variant type: single nucleotide variant.
Coding change: c.529C>G on transcript NM_005902.4 (MANE Select); coding-DNA position 529, C replaced by G.
Protein change: p.Pro177Ala; replaces proline 177 with alanine.
Molecular consequence: missense variant. On other transcripts: intron variant (2).
Genome position (GRCh38, 1-based): chr15:67,165,381, C>G. VCF-style: chr15-67165381-C-G. GRCh37 (hg19) VCF-style: chr15-67457719-C-G.
Other names: c.214C>G, p.Pro72Ala (NM_001145102.2, NM_001407016.1); c.397C>G, p.Pro133Ala (NM_001145103.2); c.529C>G, p.Pro177Ala (NM_001407011.1, NM_001407013.1); c.382C>G, p.Pro128Ala (NM_001407014.1); c.400+293C>G (NM_001407012.1); c.85+293C>G (NM_001407015.1); short protein forms P128A, P133A, P177A, P72A.
Identifiers: ClinVar variation 3899268 (VCV003899268.1).